The following is an entry in ClinVar:

ClinVar aggregate classification (germline): Uncertain significance. Review status: criteria provided, multiple submitters, no conflicts (2 of 4 stars). 2 submissions from 2 submitters: Uncertain significance (2). Last evaluated 2024-07-09.

Allele frequency attached by ClinVar (database versions not stated): 1000 Genomes Project 30x 0.00016; gnomAD 0.00001; gnomAD exomes 0.00001; TOPMed 0.00001.

Submissions (2):

GeneDx
Classification: Uncertain significance. Last evaluated: 2024-07-09. Review status: criteria provided, single submitter. Criteria: GeneDx Variant Classification Process June 2021. Collection method: clinical testing. Allele origin: germline. Affected: yes.
Comment: In silico analysis supports that this missense variant has a deleterious effect on protein structure/function; Has not been previously published as pathogenic or benign to our knowledge

Women's Health and Genetics/Laboratory Corporation of America, LabCorp
Classification: Uncertain significance. Last evaluated: 2024-02-27. Review status: criteria provided, single submitter. Criteria: LabCorp Variant Classification Summary - May 2015. Collection method: clinical testing. Allele origin: germline.
Comment: Variant summary: CDK10 c.691G>A (p.Glu231Lys) results in a conservative amino acid change located in the Protein kinase domain (IPR000719) of the encoded protein sequence. Four of five in-silico tools predict a damaging effect of the variant on protein function. The variant allele was found at a frequency of 1.5e-05 in 206608 control chromosomes. The available data on variant occurrences in the general population are insufficient to allow any conclusion about variant significance. To our knowledge, no occurrence of c.691G>A in individuals affected with Al Kaissi Syndrome and no experimental evidence demonstrating its impact on protein function have been reported. No submitters have cited clinical-significance assessments for this variant to ClinVar. Based on the evidence outlined above, the variant was classified as uncertain significance.

NM_052988.5(CDK10):c.691G>A (p.Glu231Lys)

Gene: CDK10 (cyclin dependent kinase 10; plus strand). Cytogenetic location: 16q24.3.
Variant type: single nucleotide variant.
Coding change: c.691G>A on transcript NM_052988.5 (MANE Select); coding-DNA position 691, G replaced by A.
Protein change: p.Glu231Lys; replaces glutamic acid 231 with lysine.
Molecular consequence: missense variant. On other transcripts: non-coding transcript variant (2).
Genome position (GRCh38, 1-based): chr16:89,694,687, G>A. VCF-style: chr16-89694687-G-A. GRCh37 (hg19) VCF-style: chr16-89761095-G-A.
Other names: c.478G>A, p.Glu160Lys (NM_001098533.3, NM_001160367.2, NM_052987.4); c.691G>A (NM_052988.4); short protein forms E160K, E231K.
Identifiers: ClinVar variation 3068793 (VCV003068793.3), dbSNP rs1344821845, ClinGen allele CA397424150.